The following is an entry in ClinVar:

NM_001384900.1(SEMA3D):c.832A>G (p.Ile278Val)

Gene: SEMA3D (semaphorin 3D; minus strand). Cytogenetic location: 7q21.11.
Variant type: single nucleotide variant.
Coding change: c.832A>G on transcript NM_001384900.1 (MANE Select); coding-DNA position 832, A replaced by G.
Protein change: p.Ile278Val; replaces isoleucine 278 with valine.
Molecular consequence: missense variant.
Genome position (GRCh38, 1-based): chr7:85,055,746, T>C on the plus strand (A>G on the coding strand, the complement: SEMA3D is on the minus strand). VCF-style: chr7-85055746-T-C. GRCh37 (hg19) VCF-style: chr7-84685062-T-C.
Other names: c.832A>G, p.Ile278Val (NM_001384901.1, NM_001384902.1, NM_001384903.1 and 1 more transcripts); short protein forms I278V.
Identifiers: ClinVar variation 3351527 (VCV003351527.1).
Genomic context (GRCh38, chr7:85,055,746, plus strand): 5'-GTTTTAAGTAAAATATATAAATATATCTTGCCTTACAAACTCTTCCAACTCGAGAAAGGA[T>C]GGTTTTATCGGAGGTACTGCCTTCTTGAGATGATTCACGAAAGAAGAAATATATTTTATC-3'
Protein context (NP_001371829.1, residues 268-288): SQEGSTSDKT[Ile278Val]LSRVGRVCKN

ClinVar aggregate classification (germline): Uncertain significance (0 of 4 stars; one submission).

Conditions:
SEMA3D-related disorder. Also called: SEMA3D-related condition.

gnomAD v4.1: 4 of 1,534,056 alleles (0.00026%); highest among the groups gnomAD compares: Admixed American, 0.0053%; no homozygotes.

Submission:

PreventionGenetics, part of Exact Sciences
Classification: Uncertain significance for SEMA3D-related condition. Last evaluated: 2024-04-11. Review status: no assertion criteria provided. Collection method: clinical testing. Allele origin: germline.
Comment: The SEMA3D c.832A>G variant is predicted to result in the amino acid substitution p.Ile278Val. To our knowledge, this variant has not been reported in the literature. This variant is reported in 0.0064% of alleles in individuals of Latino descent in gnomAD. At this time, the clinical significance of this variant is uncertain due to the absence of conclusive functional and genetic evidence.